The following is an entry in ClinVar:

ClinVar aggregate classification (germline): Uncertain significance. Review status: criteria provided, multiple submitters, no conflicts (2 of 4 stars). 3 submissions from 3 submitters: Uncertain significance (3). Last evaluated 2025-07-01.

Conditions:
Inborn genetic diseases. Identifiers: MedGen C0950123, MeSH D030342.
Polycystic kidney disease 8. Identifiers: MedGen C5935640, MONDO:0971178, OMIM 620903.
Nephronophthisis 9 (NPHP9). Identifiers: Orphanet 655, MedGen C3151188, MONDO:0013444, OMIM 613824.
Renal-hepatic-pancreatic dysplasia 2 (RHPD2). Identifiers: MedGen C3809434, MONDO:0014174, OMIM 615415.

Allele frequency attached by ClinVar (database versions not stated): gnomAD 0.00001; TOPMed 0.00002.
gnomAD v4.1: 1 of 1,612,982 alleles (0.000062%); highest among the groups gnomAD compares: African/African-American, 0.0013%; no homozygotes.

Submissions (3):

Labcorp Genetics (formerly Invitae), Labcorp
Classification: Uncertain significance for Nephronophthisis 9. Last evaluated: 2025-07-01. Review status: criteria provided, single submitter. Criteria: Invitae Variant Classification Sherloc (09022015). Collection method: clinical testing. Allele origin: germline.
Comment: This sequence change replaces proline, which is neutral and non-polar, with arginine, which is basic and polar, at codon 256 of the NEK8 protein (p.Pro256Arg). This variant is not present in population databases (gnomAD no frequency). This variant has not been reported in the literature in individuals affected with NEK8-related conditions. ClinVar contains an entry for this variant (Variation ID: 2544769). An algorithm developed to predict the effect of missense changes on protein structure and function (PolyPhen-2) suggests that this variant is likely to be disruptive. In summary, the available evidence is currently insufficient to determine the role of this variant in disease. Therefore, it has been classified as a Variant of Uncertain Significance.

Fulgent Genetics
Classification: Uncertain significance for Nephronophthisis 9; Renal-hepatic-pancreatic dysplasia 2; Polycystic kidney disease 8. Last evaluated: 2024-04-11. Review status: criteria provided, single submitter. Criteria: ACMG Guidelines, 2015. Collection method: clinical testing. Allele origin: germline.

Ambry Genetics
Classification: Uncertain significance for Inborn genetic diseases. Last evaluated: 2023-05-05. Review status: criteria provided, single submitter. Criteria: Ambry Variant Classification Scheme 2023. Collection method: clinical testing. Allele origin: germline.

NM_178170.3(NEK8):c.767C>G (p.Pro256Arg)

Gene: NEK8 (NIMA related kinase 8; plus strand). Cytogenetic location: 17q11.2.
Variant type: single nucleotide variant.
Coding change: c.767C>G on transcript NM_178170.3 (MANE Select); coding-DNA position 767, C replaced by G.
Protein change: p.Pro256Arg; replaces proline 256 with arginine.
Molecular consequence: missense variant.
Genome position (GRCh38, 1-based): chr17:28,737,454, C>G. VCF-style: chr17-28737454-C-G. GRCh37 (hg19) VCF-style: chr17-27064472-C-G.
Other names: short protein forms P256R.
Identifiers: ClinVar variation 2544769 (VCV002544769.4), dbSNP rs901609723, ClinGen allele CA289113477.